The following is an entry in ClinVar:

NM_002240.5(KCNJ6):c.72_74dup (p.Val25dup)

Genes: KCNJ6 (potassium inwardly rectifying channel subfamily J member 6; minus strand), KCNJ6-AS1 (KCNJ6 antisense RNA 1; plus strand). Cytogenetic location: 21q22.13.
Variant type: Duplication.
Coding change: c.72_74dup on transcript NM_002240.5 (MANE Select); coding-DNA positions 72 to 74, 3 bases duplicated (AGT; older notation c.72_74dupAGT).
Protein change: p.Val25dup; duplicates valine 25.
Molecular consequence: inframe insertion.
Genome position (GRCh38, 1-based): chr21:37,715,083-37,715,085, ACT duplicated on the plus strand (AGT on the coding strand, the reverse complement: KCNJ6 is on the minus strand). VCF-style (leftmost placement, unchanged base first): chr21-37715082-C-CACT. GRCh37 (hg19) VCF-style: chr21-39087385-C-CACT.
Identifiers: ClinVar variation 1349310 (VCV001349310.8), dbSNP rs1176932409, ClinGen allele CA638058758.

ClinVar aggregate classification (germline): Uncertain significance (1 of 4 stars; one submission).

Allele frequency attached by ClinVar (database versions not stated): gnomAD exomes 0.00001 and 0.00002.

Submission:

Labcorp Genetics (formerly Invitae), Labcorp
Classification: Uncertain significance. Last evaluated: 2024-02-03. Review status: criteria provided, single submitter. Criteria: Invitae Variant Classification Sherloc (09022015). Collection method: clinical testing. Allele origin: germline.
Comment: This variant, c.72_74dup, results in the insertion of 1 amino acid(s) of the KCNJ6 protein (p.Val25dup), but otherwise preserves the integrity of the reading frame. This variant is present in population databases (no rsID available, gnomAD 0.002%). This variant has not been reported in the literature in individuals affected with KCNJ6-related conditions. ClinVar contains an entry for this variant (Variation ID: 1349310). Experimental studies and prediction algorithms are not available or were not evaluated, and the functional significance of this variant is currently unknown. In summary, the available evidence is currently insufficient to determine the role of this variant in disease. Therefore, it has been classified as a Variant of Uncertain Significance.